The following is an entry in ClinVar:

ClinVar aggregate classification (germline): Uncertain significance. Review status: criteria provided, multiple submitters, no conflicts (2 of 4 stars). 2 submissions from 2 submitters: Uncertain significance (2). Last evaluated 2025-12-01.

Conditions:
Hereditary diffuse gastric adenocarcinoma (HDGC). Also called: DIFFUSE GASTRIC AND LOBULAR BREAST CANCER SYNDROME. Identifiers: Orphanet 26106, MedGen C1708349, MONDO:0007648, OMIM 137215.
Hereditary cancer-predisposing syndrome. Also called: Neoplastic Syndromes, Hereditary; Hereditary neoplastic syndrome; Tumor predisposition; Hereditary Cancer Syndrome. Identifiers: Orphanet 140162, MedGen C0027672, MeSH D009386, MONDO:0015356.

gnomAD v4.1: 1 of 1,614,010 alleles (0.000062%); highest among the groups gnomAD compares: Non-Finnish European, 0.000085%; no homozygotes.

Submissions (2):

Ambry Genetics
Classification: Uncertain significance for Hereditary cancer-predisposing syndrome. Last evaluated: 2025-12-01. Review status: criteria provided, single submitter. Criteria: Ambry Variant Classification Scheme 2023. Collection method: clinical testing. Allele origin: germline.
Comment: The p.D72H variant (also known as c.214G>C), located in coding exon 3 of the CDH1 gene, results from a G to C substitution at nucleotide position 214. The aspartic acid at codon 72 is replaced by histidine, an amino acid with similar properties. This amino acid position is highly conserved in available vertebrate species. In addition, the in silico prediction for this alteration is inconclusive. Based on the available evidence, the clinical significance of this variant remains unclear.

Labcorp Genetics (formerly Invitae), Labcorp
Classification: Uncertain significance for Hereditary diffuse gastric adenocarcinoma. Last evaluated: 2023-11-11. Review status: criteria provided, single submitter. Criteria: Invitae Variant Classification Sherloc (09022015). Collection method: clinical testing. Allele origin: germline.
Comment: This sequence change replaces aspartic acid, which is acidic and polar, with histidine, which is basic and polar, at codon 72 of the CDH1 protein (p.Asp72His). This variant is present in population databases (rs35606263, gnomAD 0.0009%). This variant has not been reported in the literature in individuals affected with CDH1-related conditions. ClinVar contains an entry for this variant (Variation ID: 834684). An algorithm developed to predict the effect of missense changes on protein structure and function (PolyPhen-2) suggests that this variant is likely to be disruptive. In summary, the available evidence is currently insufficient to determine the role of this variant in disease. Therefore, it has been classified as a Variant of Uncertain Significance.

NM_004360.5(CDH1):c.214G>C (p.Asp72His)

Gene: CDH1 (cadherin 1; plus strand). Cytogenetic location: 16q22.1.
Variant type: single nucleotide variant.
Coding change: c.214G>C on transcript NM_004360.5 (MANE Select); coding-DNA position 214, G replaced by C.
Protein change: p.Asp72His; replaces aspartic acid 72 with histidine.
Molecular consequence: missense variant. On other transcripts: 5 prime UTR variant (2).
Genome position (GRCh38, 1-based): chr16:68,801,720, G>C. VCF-style: chr16-68801720-G-C. GRCh37 (hg19) VCF-style: chr16-68835623-G-C.
Other names: c.214G>C, p.Asp72His (NM_001317184.2); c.-1402G>C (NM_001317185.2); c.-1606G>C (NM_001317186.2); short protein forms D72H.
Identifiers: ClinVar variation 834684 (VCV000834684.9), dbSNP rs35606263, ClinGen allele CA8129811.